The following is an entry in ClinVar:

NM_002317.7(LOX):c.584C>T (p.Pro195Leu)

Genes: LOX (lysyl oxidase; minus strand), SRFBP1 (serum response factor binding protein 1; plus strand). Cytogenetic location: 5q23.1.
Variant type: single nucleotide variant.
Coding change: c.584C>T on transcript NM_002317.7 (MANE Select); coding-DNA position 584, C replaced by T.
Protein change: p.Pro195Leu; replaces proline 195 with leucine.
Molecular consequence: missense variant.
Genome position (GRCh38, 1-based): chr5:122,077,402, G>A on the plus strand (C>T on the coding strand, the complement: LOX is on the minus strand). VCF-style: chr5-122077402-G-A. GRCh37 (hg19) VCF-style: chr5-121413097-G-A.
Other names: c.584C>T (NM_002317.5, NM_002317.6); short protein forms P195L.
Identifiers: ClinVar variation 3683970 (VCV003683970.4).

ClinVar aggregate classification (germline): Uncertain significance. Review status: criteria provided, multiple submitters, no conflicts (2 of 4 stars). 3 submissions from 3 submitters: Uncertain significance (3). Last evaluated 2025-08-20.

Conditions:
LOX-related disorder. Also called: LOX-related disorders; LOX-related condition.
Cardiovascular phenotype. Identifiers: MedGen CN230736.

gnomAD v4.1: 1 of 1,614,102 alleles (0.000062%); highest among the groups gnomAD compares: Non-Finnish European, 0.000085%; no homozygotes.

Submissions (3):

PreventionGenetics, part of Exact Sciences
Classification: Uncertain significance for LOX-related condition. Last evaluated: 2025-08-20. Review status: criteria provided, single submitter. Criteria: ACMG Guidelines, 2015. Collection method: clinical testing. Allele origin: germline.
Comment: The LOX c.584C>T variant is predicted to result in the amino acid substitution p.Pro195Leu. To our knowledge, this variant has not been reported in the literature or in a large population database (gnomAD), indicating this variant is rare. At this time, the clinical significance of this variant is uncertain due to the absence of conclusive functional and genetic evidence.

Ambry Genetics
Classification: Uncertain significance for Cardiovascular phenotype. Last evaluated: 2025-04-13. Review status: criteria provided, single submitter. Criteria: Ambry Variant Classification Scheme 2023. Collection method: clinical testing. Allele origin: germline.

Labcorp Genetics (formerly Invitae), Labcorp
Classification: Uncertain significance. Last evaluated: 2024-04-01. Review status: criteria provided, single submitter. Criteria: Invitae Variant Classification Sherloc (09022015). Collection method: clinical testing. Allele origin: germline.
Comment: This sequence change replaces proline, which is neutral and non-polar, with leucine, which is neutral and non-polar, at codon 195 of the LOX protein (p.Pro195Leu). This variant is not present in population databases (gnomAD no frequency). This variant has not been reported in the literature in individuals affected with LOX-related conditions. Advanced modeling of protein sequence and biophysical properties (such as structural, functional, and spatial information, amino acid conservation, physicochemical variation, residue mobility, and thermodynamic stability) performed at Invitae indicates that this missense variant is not expected to disrupt LOX protein function with a negative predictive value of 80%. In summary, the available evidence is currently insufficient to determine the role of this variant in disease. Therefore, it has been classified as a Variant of Uncertain Significance.